The following is an entry in ClinVar:

ClinVar aggregate classification (germline): Benign. Review status: criteria provided, multiple submitters, no conflicts (2 of 4 stars). 13 submissions from 13 submitters: Benign (9). 4 of the submissions do not count toward it. Last evaluated 2026-01-31.

Conditions:
Wilson disease (WND). Also called: Wilson's disease. Identifiers: Orphanet 905, MedGen C0019202, MONDO:0010200, OMIM 277900. Disease mechanism: loss of function.

Allele frequency attached by ClinVar (database versions not stated): gnomAD exomes 0.00313 and 0.00114; ESP Exome Variant Server 0.01320; 1000 Genomes Project 30x 0.01452; ExAC 0.00382; gnomAD 0.01196 and 0.01274; 1000 Genomes Project 0.01278; TOPMed 0.01420.
gnomAD v4.1: 3,592 of 1,614,218 alleles (0.22%); highest among the groups gnomAD compares: African/African-American, 4%; 68 homozygotes.

Submissions (13):

Labcorp Genetics (formerly Invitae), Labcorp
Classification: Benign for Wilson disease. Last evaluated: 2026-01-31. Review status: criteria provided, single submitter. Criteria: Invitae Variant Classification Sherloc (09022015). Collection method: clinical testing. Allele origin: germline.

ARUP Laboratories, Molecular Genetics and Genomics, ARUP Laboratories
Classification: Benign for Wilson disease. Last evaluated: 2025-02-18. Review status: criteria provided, single submitter. Criteria: ARUP Molecular Germline Variant Investigation Process 2024. Collection method: clinical testing. Allele origin: germline.

Mayo Clinic Laboratories, Mayo Clinic
Classification: Benign. Last evaluated: 2023-09-14. Review status: criteria provided, single submitter. Criteria: ACMG Guidelines, 2015. Collection method: clinical testing. Allele origin: germline. Observed: 11 variant alleles.
Comment: BS1, BS2, BP4, BP7

Fulgent Genetics
Classification: Benign for Wilson disease. Last evaluated: 2021-07-20. Review status: criteria provided, single submitter. Criteria: ACMG Guidelines, 2015. Collection method: clinical testing. Allele origin: unknown.

Illumina Laboratory Services, Illumina
Classification: Benign for Wilson disease. Last evaluated: 2018-01-23. Review status: criteria provided, single submitter. Criteria: ICSL Variant Classification Criteria 13 December 2019. Collection method: clinical testing. Allele origin: germline.
Comment: This variant was observed as part of a predisposition screen in an ostensibly healthy population. A literature search was performed for the gene, cDNA change, and amino acid change (where applicable). No publications were found based on this search. Allele frequency data from public databases was too high to be consistent with this variant causing disease. Therefore, this variant is classified as benign.

GeneDx
Classification: Benign. Last evaluated: 2016-02-22. Review status: criteria provided, single submitter. Criteria: GeneDx Variant Classification (06012015). Collection method: clinical testing. Allele origin: germline. Affected: yes.
Comment: This variant is considered likely benign or benign based on one or more of the following criteria: it is a conservative change, it occurs at a poorly conserved position in the protein, it is predicted to be benign by multiple in silico algorithms, and/or has population frequency not consistent with disease.

Women's Health and Genetics/Laboratory Corporation of America, LabCorp
Classification: Benign for Wilson Disease. Last evaluated: 2011-08-18. Review status: criteria provided, single submitter. Criteria: LabCorp Variant Classification Summary - May 2015. Collection method: curation, clinical testing. Allele origin: germline. Inheritance: autosomal unknown. Affected: yes.
ClinVar note: Converted during submission from benign to Benign.

Breakthrough Genomics
Classification: Benign. Review status: criteria provided, single submitter. Criteria: ACMG Guidelines, 2015. Collection method: not provided. Allele origin: germline. Inheritance: Autosomal recessive inheritance. Affected: yes.

PreventionGenetics, part of Exact Sciences
Classification: Benign. Review status: criteria provided, single submitter. Criteria: ACMG Guidelines, 2015. Collection method: clinical testing. Allele origin: germline.

Natera, Inc.
Classification: Benign for Wilson disease. Last evaluated: 2020-09-16. Review status: no assertion criteria provided. Collection method: clinical testing. Allele origin: germline. Not counted in ClinVar's aggregate classification.

Clinical Genetics, Academic Medical Center
Classification: Benign. Review status: no assertion criteria provided. Collection method: clinical testing. Allele origin: germline. Affected: yes. Study: VKGL Data-share Consensus. Not counted in ClinVar's aggregate classification.

Genome Diagnostics Laboratory, Amsterdam University Medical Center
Classification: Likely benign. Review status: no assertion criteria provided. Collection method: clinical testing. Allele origin: germline. Affected: yes. Study: VKGL Data-share Consensus. Not counted in ClinVar's aggregate classification.

Genome Diagnostics Laboratory, University Medical Center Utrecht
Classification: Likely benign. Review status: no assertion criteria provided. Collection method: clinical testing. Allele origin: germline. Affected: yes. Study: VKGL Data-share Consensus. Not counted in ClinVar's aggregate classification.

NM_000053.4(ATP7B):c.1707+9T>C

Gene: ATP7B (ATPase copper transporting beta; minus strand). Cytogenetic location: 13q14.3.
Variant type: single nucleotide variant.
Coding change: c.1707+9T>C on transcript NM_000053.4 (MANE Select); 9 bases into the intron after coding-DNA position 1707, T replaced by C.
Molecular consequence: intron variant.
Genome position (GRCh38, 1-based): chr13:51,968,435, A>G on the plus strand (T>C on the coding strand, the complement: ATP7B is on the minus strand). VCF-style: chr13-51968435-A-G. GRCh37 (hg19) VCF-style: chr13-52542571-A-G.
Other names: p.?; c.1374+9T>C (NM_001243182.2); c.1707+9T>C (NM_001005918.3, NM_001330579.2, NM_001330578.2).
Identifiers: ClinVar variation 35704 (VCV000035704.32), dbSNP rs114449708, ClinGen allele CA260130.